The following is an entry in ClinVar:

NM_000193.4(SHH):c.607G>T (p.Ala203Ser)

Gene: SHH (sonic hedgehog signaling molecule; minus strand). Cytogenetic location: 7q36.3.
Variant type: single nucleotide variant.
Coding change: c.607G>T on transcript NM_000193.4 (MANE Select); coding-DNA position 607, G replaced by T.
Protein change: p.Ala203Ser; replaces alanine 203 with serine.
Molecular consequence: missense variant. On other transcripts: intron variant (1).
Genome position (GRCh38, 1-based): chr7:155,803,682, C>A on the plus strand (G>T on the coding strand, the complement: SHH is on the minus strand). VCF-style: chr7-155803682-C-A. GRCh37 (hg19) VCF-style: chr7-155596376-C-A.
Other names: c.301+2614G>T (NM_001310462.2); short protein forms A203S.
Identifiers: ClinVar variation 1722027 (VCV001722027.5), dbSNP rs1197824289, ClinGen allele CA370146687.

ClinVar aggregate classification (germline): Uncertain significance (1 of 4 stars; one submission).

Conditions:
Holoprosencephaly 3 (HPE3). Identifiers: Orphanet 2162, MedGen C1840529, MONDO:0007733, OMIM 142945.

Submission:

Labcorp Genetics (formerly Invitae), Labcorp
Classification: Uncertain significance for Holoprosencephaly 3. Last evaluated: 2022-10-21. Review status: criteria provided, single submitter. Criteria: Invitae Variant Classification Sherloc (09022015). Collection method: clinical testing. Allele origin: germline.
Comment: In summary, the available evidence is currently insufficient to determine the role of this variant in disease. Therefore, it has been classified as a Variant of Uncertain Significance. Advanced modeling of protein sequence and biophysical properties (such as structural, functional, and spatial information, amino acid conservation, physicochemical variation, residue mobility, and thermodynamic stability) performed at Invitae indicates that this missense variant is not expected to disrupt SHH protein function. This variant has not been reported in the literature in individuals affected with SHH-related conditions. This variant is not present in population databases (gnomAD no frequency). This sequence change replaces alanine, which is neutral and non-polar, with serine, which is neutral and polar, at codon 203 of the SHH protein (p.Ala203Ser).